The following is an entry in ClinVar:

NM_006218.4(PIK3CA):c.3012G>A (p.Met1004Ile)

Gene: PIK3CA (phosphatidylinositol-4,5-bisphosphate 3-kinase catalytic subunit alpha; plus strand). Cytogenetic location: 3q26.32.
Variant type: single nucleotide variant.
Coding change: c.3012G>A on transcript NM_006218.4 (MANE Select); coding-DNA position 3012, G replaced by A.
Protein change: p.Met1004Ile; replaces methionine 1004 with isoleucine.
Molecular consequence: missense variant.
Genome position (GRCh38, 1-based): chr3:179,234,169, G>A. VCF-style: chr3-179234169-G-A. GRCh37 (hg19) VCF-style: chr3-178951957-G-A.
Other names: short protein forms M1004I.
Identifiers: ClinVar variation 1209066 (VCV001209066.6), dbSNP rs2108429272, ClinGen allele CA16602195.

ClinVar aggregate classification (germline): Pathogenic/Likely pathogenic. Review status: criteria provided, multiple submitters, no conflicts (2 of 4 stars). 4 submissions from 4 submitters: Pathogenic (2); Likely pathogenic (2). Last evaluated 2026-02-22.

Conditions:
PIK3CA related overgrowth syndrome. Also called: PIK3CA related overgrowth spectrum; PIK3CA-Related Segmental Overgrowth. Identifiers: Orphanet 530313, MedGen C4728213, MONDO:1040002.

Submissions (4):

Clinical Genomics Laboratory, Washington University in St. Louis
Classification: Pathogenic for PIK3CA related overgrowth syndrome. Last evaluated: 2026-02-22. Review status: criteria provided, single submitter. Criteria: Leon-Quintero et al. (Clin Genet. 2025). Collection method: clinical testing. Allele origin: somatic. Affected: yes.
Comment: A PIK3CA c.3012G>A (p.Met1004Ile) variant was identified at an allelic fraction consistent with somatic origin. This exact variant, to our knowledge, has not been reported in the medical literature in PROS disorders. It has also been identified in several cases in the cancer database COSMIC (COSMIC Mutation ID: COSV55881019). The PIK3CA c.3012G>A (p.Met1004Ile) variant is absent from the general population (gnomAD v4.1.0), indicating it is not a common variant and resides within a region, the kinase domain, of PIK3CA that is defined as a critical functional domain (Lai A et al., PMID: 35997716). The PIK3CA gene is defined by the ClinGen Brain Malformations variant curation expert panel as a gene that has a low rate of benign missense variation and where pathogenic missense variants are a common mechanism of disease. Based on available information and an internally developed protocol informed by the ACMG/AMP guidelines for variant interpretation and gene-specific practices from the ClinGen Criteria Specification Registry (Leon-Quintero FZ et al., PMID: 39434542), the PIK3CA c.3012G>A (p.Met1004Ile) variant is classified as pathogenic.

Rady Children's Institute for Genomic Medicine, Rady Children's Hospital San Diego
Classification: Likely pathogenic for PIK3CA-Related Segmental Overgrowth. Last evaluated: 2020-10-19. Review status: criteria provided, single submitter. Criteria: ACMG Guidelines, 2015. Collection method: clinical testing. Allele origin: germline. Affected: yes.
Comment: Based on the whole genome sequencing (WGS) data, this alteration is present at an estimated variant allele fraction of 20%, indicating mosaicism. This variant has been previously reported as a de novo, mosaic change in an individual with head and height overgrowth and mild intellectual disability (PMID: 28475857). It is absent from the gnomAD population database and thus is presumed to be rare. The c.3012G>A (p.Met1004Ile) variant affects a highly conserved amino acid. In silico tools used to predict the effect of this variant on protein function yield discordant results. Based on the available evidence, the c.3012G>A (p.Met1004Ile) variant is classified as Likely Pathogenic.

GeneDx
Classification: Pathogenic. Last evaluated: 2020-03-04. Review status: criteria provided, single submitter. Criteria: GeneDx Variant Classification Process June 2021. Collection method: clinical testing. Allele origin: germline. Affected: yes.
Comment: Not observed in large population cohorts (Lek et al., 2016); In silico analysis supports that this missense variant has a deleterious effect on protein structure/function; This variant is associated with the following publications: (PMID: 26655088, 29434452, 26082939, 31348552, 25467032, 28475857)

Illumina Laboratory Services, Illumina
Classification: Likely pathogenic for PIK3CA related overgrowth syndrome. Last evaluated: 2017-06-08. Review status: criteria provided, single submitter. Criteria: ICSLVariantClassificationCriteria RUGD 01 April 2020. Collection method: clinical testing. Allele origin: unknown.
Comment: The PIK3CA c.3012G>A p.(Met1004Ile) missense variant has not, to our knowledge, been reported in the peer-reviewed literature. The variant was detected at an allele fraction of 46%. This variant is not observed in version 2.1.1 of the Genome Aggregation Database. The variant is located in the kinase domain of the PIK3CA protein. Both mosaic and germline missense variants affecting this conserved domain have been previously identified in association with PROS. The Met1004 residue is highly conserved across species. Based on the available evidence the c.3012G>A p.(Met1004Ile) variant is classified as likely pathogenic for PIK3CA-related overgrowth spectrum.